The following is an entry in ClinVar:

ClinVar aggregate classification (germline): Uncertain significance (1 of 4 stars; one submission).

Conditions:
Hereditary spastic paraplegia 28. Also called: Spastic paraplegia 28, autosomal recessive. Identifiers: Orphanet 101008, MedGen C1836295, MONDO:0012256, OMIM 609340.

Allele frequency attached by ClinVar (database versions not stated): gnomAD exomes 0.00001.
gnomAD v4.1: 3 of 1,613,704 alleles (0.00019%); highest among the groups gnomAD compares: Admixed American, 0.005%; no homozygotes.

Submission:

Labcorp Genetics (formerly Invitae), Labcorp
Classification: Uncertain significance for Hereditary spastic paraplegia 28. Last evaluated: 2024-02-24. Review status: criteria provided, single submitter. Criteria: Invitae Variant Classification Sherloc (09022015). Collection method: clinical testing. Allele origin: germline.
Comment: This sequence change replaces leucine, which is neutral and non-polar, with histidine, which is basic and polar, at codon 816 of the DDHD1 protein (p.Leu816His). This variant is present in population databases (no rsID available, gnomAD 0.009%). This variant has not been reported in the literature in individuals affected with DDHD1-related conditions. ClinVar contains an entry for this variant (Variation ID: 2060006). An algorithm developed to predict the effect of missense changes on protein structure and function (PolyPhen-2) suggests that this variant is likely to be disruptive. In summary, the available evidence is currently insufficient to determine the role of this variant in disease. Therefore, it has been classified as a Variant of Uncertain Significance.

NM_001160148.2(DDHD1):c.2426T>A (p.Leu809His)

Gene: DDHD1 (DDHD domain containing 1; minus strand). Cytogenetic location: 14q22.1.
Variant type: single nucleotide variant.
Coding change: c.2426T>A on transcript NM_001160148.2 (MANE Select); coding-DNA position 2426, T replaced by A.
Protein change: p.Leu809His; replaces leucine 809 with histidine.
Molecular consequence: missense variant.
Genome position (GRCh38, 1-based): chr14:53,054,449, A>T on the plus strand (T>A on the coding strand, the complement: DDHD1 is on the minus strand). VCF-style: chr14-53054449-A-T. GRCh37 (hg19) VCF-style: chr14-53521167-A-T.
Other names: c.2447T>A, p.Leu816His (NM_001160147.2); c.2426T>A, p.Leu809His (NM_030637.3); short protein forms L816H, L809H.
Identifiers: ClinVar variation 2060006 (VCV002060006.4), dbSNP rs1417863233, ClinGen allele CA389769517.
Genomic context (GRCh38, chr14:53,054,449, plus strand): 5'-GTTTTAAAAAGATACAGTATCAACTTAAGGAAATAATGTATGAACTAACATGCAGAATCG[A>T]GGAAGCCAGAACTGCTATGTGGAAGGGTCTGTGTCCCTACGGTGGTAGCAGAAGGTGAGG-3'
Protein context (NP_001153620.1, residues 799-819): QTLPHSSSGF[Leu809His]DSAYFRLQES